The following is an entry in ClinVar:

ClinVar aggregate classification (germline): Pathogenic (1 of 4 stars; one submission).

Submission:

Ambry Genetics
Classification: Pathogenic. Last evaluated: 2026-05-27. Review status: criteria provided, single submitter. Criteria: Ambry Variant Classification Scheme 2023. Collection method: clinical testing. Allele origin: germline.
Comment: The c.1287delA variant, located in coding exon 1 of the MLH3 gene, results from a deletion of one nucleotide at nucleotide position 1287, causing a translational frameshift with a predicted alternate stop codon (p.A430Lfs*24). This variant is considered to be rare based on population cohorts in the Genome Aggregation Database (gnomAD). This alteration is expected to result in loss of function by premature protein truncation or nonsense-mediated mRNA decay. As such, this variant is interpreted as a disease-causing mutation.

NM_001040108.2(MLH3):c.1287del (p.Ala430fs)

Gene: MLH3 (mutL homolog 3; minus strand). Cytogenetic location: 14q24.3.
Variant type: Deletion.
Coding change: c.1287del on transcript NM_001040108.2 (MANE Select); coding-DNA position 1287, one base deleted (A; older notation c.1287delA).
Protein change: p.Ala430fs; shifts the reading frame from alanine 430.
Molecular consequence: frameshift variant.
Genome position (GRCh38, 1-based): chr14:75,048,369, T deleted on the plus strand (A on the coding strand, the reverse complement: MLH3 is on the minus strand); the first of 2 consecutive T bases (chr14:75,048,369-75,048,370); deleting either gives the same sequence. VCF-style (leftmost placement, unchanged base first): chr14-75048368-CT-C. GRCh37 (hg19) VCF-style: chr14-75515071-CT-C.
Other names: c.1287del, p.Ala430fs (NM_014381.3); c.1287delA (NM_001040108.1); short protein forms A430fs.
Identifiers: ClinVar variation 3396695 (VCV003396695.2).